The following is an entry in ClinVar:

NM_002857.4(PEX19):c.661C>G (p.Gln221Glu)

Gene: PEX19 (peroxisomal biogenesis factor 19; minus strand). Cytogenetic location: 1q23.2.
Variant type: single nucleotide variant.
Coding change: c.661C>G on transcript NM_002857.4 (MANE Select); coding-DNA position 661, C replaced by G.
Protein change: p.Gln221Glu; replaces glutamine 221 with glutamic acid.
Molecular consequence: missense variant. On other transcripts: non-coding transcript variant (2).
Genome position (GRCh38, 1-based): chr1:160,280,180, G>C on the plus strand (C>G on the coding strand, the complement: PEX19 is on the minus strand). VCF-style: chr1-160280180-G-C. GRCh37 (hg19) VCF-style: chr1-160249970-G-C.
Other names: c.661C>G, p.Gln221Glu (NM_001193644.1); short protein forms Q221E.
Identifiers: ClinVar variation 2109507 (VCV002109507.4), dbSNP rs1657712138, ClinGen allele CA343257902.

ClinVar aggregate classification (germline): Uncertain significance (1 of 4 stars; one submission).

Conditions:
Peroxisome biogenesis disorder 12A (Zellweger). Also called: Peroxisome biogenesis disorder 12A. Identifiers: Orphanet 912, MedGen C3554002, MONDO:0013951, OMIM 614886.

Allele frequency attached by ClinVar (database versions not stated): TOPMed below 0.00001.
gnomAD v4.1: 4 of 1,613,610 alleles (0.00025%); highest among the groups gnomAD compares: Non-Finnish European, 0.00034%; no homozygotes.

Submission:

Labcorp Genetics (formerly Invitae), Labcorp
Classification: Uncertain significance for Peroxisome biogenesis disorder 12A (Zellweger). Last evaluated: 2022-03-11. Review status: criteria provided, single submitter. Criteria: Invitae Variant Classification Sherloc (09022015). Collection method: clinical testing. Allele origin: germline.
Comment: This variant has not been reported in the literature in individuals affected with PEX19-related conditions. Algorithms developed to predict the effect of missense changes on protein structure and function are either unavailable or do not agree on the potential impact of this missense change (SIFT: "Deleterious"; PolyPhen-2: "Possibly Damaging"; Align-GVGD: "Class C0"). In summary, the available evidence is currently insufficient to determine the role of this variant in disease. Therefore, it has been classified as a Variant of Uncertain Significance. This sequence change replaces glutamine, which is neutral and polar, with glutamic acid, which is acidic and polar, at codon 221 of the PEX19 protein (p.Gln221Glu). This variant is not present in population databases (gnomAD no frequency).